The following is an entry in ClinVar:

NM_007294.4(BRCA1):c.1422A>C (p.Leu474Phe)

Gene: BRCA1 (BRCA1 DNA repair associated; minus strand). Cytogenetic location: 17q21.31.
Variant type: single nucleotide variant.
Coding change: c.1422A>C on transcript NM_007294.4 (MANE Select); coding-DNA position 1422, A replaced by C.
Protein change: p.Leu474Phe; replaces leucine 474 with phenylalanine.
Molecular consequence: missense variant. On other transcripts: intron variant (137).
Genome position (GRCh38, 1-based): chr17:43,094,109, T>G on the plus strand (A>C on the coding strand, the complement: BRCA1 is on the minus strand). VCF-style: chr17-43094109-T-G. GRCh37 (hg19) VCF-style: chr17-41246126-T-G.
Other names: c.1209A>C, p.Leu403Phe (NM_001407897.1, NM_001407898.1, NM_001407899.1 and 9 more transcripts); c.1212A>C, p.Leu404Phe (NM_001407900.1, NM_001407902.1, NM_001407904.1 and 13 more transcripts); c.1158A>C, p.Leu386Phe (NM_001407921.1, NM_001407922.1, NM_001407923.1 and 9 more transcripts); c.1155A>C, p.Leu385Phe (NM_001407930.1, NM_001407931.1, NM_001407932.1 and 2 more transcripts); c.1296A>C, p.Leu432Phe (NM_001407940.1, NM_001407941.1, NM_001407649.1 and 11 more transcripts); c.1281A>C, p.Leu427Phe (NM_001407942.1, NM_001407944.1, NM_001407945.1 and 29 more transcripts); c.1278A>C, p.Leu426Phe (NM_001407943.1, NM_001407964.1, NM_001407748.1 and 20 more transcripts); c.1089A>C, p.Leu363Phe (NM_001407946.1, NM_001407947.1, NM_001407948.1 and 6 more transcripts); and 40 more; short protein forms L178F, L362F, L363F, L406F, L432F, L471F, L474F, L306F.
Identifiers: ClinVar variation 4215093 (VCV004215093.1).

ClinVar aggregate classification (germline): Uncertain significance (1 of 4 stars; one submission).

Conditions:
Hereditary cancer-predisposing syndrome. Also called: Neoplastic Syndromes, Hereditary; Tumor predisposition; Hereditary Cancer Syndrome; Hereditary neoplastic syndrome. Identifiers: Orphanet 140162, MedGen C0027672, MeSH D009386, MONDO:0015356.

Submission:

Ambry Genetics
Classification: Uncertain significance for Hereditary cancer-predisposing syndrome. Last evaluated: 2025-07-23. Review status: criteria provided, single submitter. Criteria: Ambry Variant Classification Scheme 2023. Collection method: clinical testing. Allele origin: germline.
Comment: The p.L474F variant (also known as c.1422A>C), located in coding exon 9 of the BRCA1 gene, results from an A to C substitution at nucleotide position 1422. The leucine at codon 474 is replaced by phenylalanine, an amino acid with highly similar properties. This amino acid position is well conserved in available vertebrate species. In addition, the in silico prediction for this alteration is inconclusive. Based on the available evidence, the clinical significance of this variant remains unclear.